The following is an entry in ClinVar:

NM_001122955.4(BSCL2):c.1325C>T (p.Thr442Ile)

Genes: BSCL2 (BSCL2 lipid droplet biogenesis associated, seipin; minus strand), HNRNPUL2-BSCL2 (HNRNPUL2-BSCL2 readthrough (NMD candidate); minus strand). Cytogenetic location: 11q12.3.
Variant type: single nucleotide variant.
Coding change: c.1325C>T on transcript NM_001122955.4 (MANE Select); coding-DNA position 1325, C replaced by T.
Protein change: p.Thr442Ile; replaces threonine 442 with isoleucine.
Molecular consequence: missense variant. On other transcripts: non-coding transcript variant (1), 3 prime UTR variant (1).
Genome position (GRCh38, 1-based): chr11:62,690,431, G>A on the plus strand (C>T on the coding strand, the complement: BSCL2 is on the minus strand). VCF-style: chr11-62690431-G-A. GRCh37 (hg19) VCF-style: chr11-62457903-G-A.
Other names: c.*127C>T (NM_001130702.2); c.1331C>T, p.Thr444Ile (NM_001386027.1); c.1325C>T, p.Thr442Ile (NM_001386028.1); c.1133C>T, p.Thr378Ile (NM_032667.6); short protein forms T378I, T442I, T444I.
Identifiers: ClinVar variation 234682 (VCV000234682.5), dbSNP rs876661160, ClinGen allele CA10577428.

ClinVar aggregate classification (germline): Uncertain significance. Review status: criteria provided, multiple submitters, no conflicts (2 of 4 stars). 3 submissions from 3 submitters: Uncertain significance (3). Last evaluated 2024-08-04.

Conditions:
Severe neurodegenerative syndrome with lipodystrophy. Also called: ENCEPHALOPATHY, PROGRESSIVE, WITH LIPODYSTROPHY; Encephalopathy, progressive, with or without lipodystrophy. Identifiers: Orphanet 363400, MedGen C4014700, MONDO:0014402, OMIM 615924.
Congenital generalized lipodystrophy type 2 (CGL2). Also called: SEIP SYNDROME; BERARDINELLI SYNDROME; BRUNZELL SYNDROME, BSCL2-RELATED; Berardinelli-Seip Congenital Lipodystrophy Type 2. Identifiers: Orphanet 528, Orphanet 696289, MedGen C1720863, MONDO:0010020, OMIM 269700.
Hereditary spastic paraplegia 17. Also called: Silver spastic paraplegia syndrome; Spastic Paraplegia 17; Autosomal dominant spastic paraplegia type 17; Silver Syndrome; SPASTIC PARAPLEGIA WITH AMYOTROPHY OF HANDS AND FEET. Identifiers: Orphanet 100998, MedGen C2931276, MONDO:0010043, OMIM 270685.
Neuronopathy, distal hereditary motor, type 5C. Also called: NEURONOPATHY, DISTAL HEREDITARY MOTOR, AUTOSOMAL DOMINANT 13; NEUROPATHY, DISTAL HEREDITARY MOTOR, HARDING TYPE VC; SPINAL MUSCULAR ATROPHY, DISTAL, HARDING TYPE VC; NEURONOPATHY, DISTAL HEREDITARY MOTOR, HARDING TYPE VC; DHMN VC. Identifiers: MedGen C5436838, MONDO:0030860, OMIM 619112.
Charcot-Marie-Tooth disease type 2. Also called: Charcot-Marie-Tooth type 2. Identifiers: Orphanet 64746, MedGen C0270914, MONDO:0018993.

Allele frequency attached by ClinVar (database versions not stated): gnomAD exomes below 0.00001.
gnomAD v4.1: 1 of 1,614,188 alleles (0.000062%); highest among the groups gnomAD compares: African/African-American, 0.0013%; no homozygotes.

Submissions (3):

Labcorp Genetics (formerly Invitae), Labcorp
Classification: Uncertain significance for Charcot-Marie-Tooth disease type 2. Last evaluated: 2024-08-04. Review status: criteria provided, single submitter. Criteria: Invitae Variant Classification Sherloc (09022015). Collection method: clinical testing. Allele origin: germline.
Comment: This sequence change replaces threonine, which is neutral and polar, with isoleucine, which is neutral and non-polar, at codon 378 of the BSCL2 protein (p.Thr378Ile). This variant is not present in population databases (gnomAD no frequency). This variant has not been reported in the literature in individuals affected with BSCL2-related conditions. ClinVar contains an entry for this variant (Variation ID: 234682). An algorithm developed to predict the effect of missense changes on protein structure and function (PolyPhen-2) suggests that this variant is likely to be tolerated. In summary, the available evidence is currently insufficient to determine the role of this variant in disease. Therefore, it has been classified as a Variant of Uncertain Significance.

Fulgent Genetics
Classification: Uncertain significance for Congenital generalized lipodystrophy type 2; Hereditary spastic paraplegia 17; Severe neurodegenerative syndrome with lipodystrophy; Neuronopathy, distal hereditary motor, type 5C. Last evaluated: 2024-01-02. Review status: criteria provided, single submitter. Criteria: ACMG Guidelines, 2015. Collection method: clinical testing. Allele origin: germline.

GeneDx
Classification: Uncertain significance. Last evaluated: 2015-12-24. Review status: criteria provided, single submitter. Criteria: GeneDx Variant Classification (06012015). Collection method: clinical testing. Allele origin: germline. Affected: yes.
Comment: The T378I variant has not been published as a pathogenic variant, nor has it been reported as a benign variant to our knowledge.It was not observed in approximately 6,500 individuals of European and African American ancestry inthe NHLBI Exome Sequencing Project, indicating it is not a common benign variant in thesepopulations. The T378I variant is a non-conservative amino acid substitution, which is likely toimpact secondary protein structure as these residues differ in polarity, charge, size and/or otherproperties. This substitution occurs at a position that is conserved across species, and in silico analysispredicts this variant is probably damaging to the protein structure/function. However, missensevariants in nearby residues have not been reported in Human Gene Mutation Database in associationwith a BSCL2-related disorder (Stenson et al., 2014). Therefore, based on the currently availableinformation, it is unclear whether this variant is a pathogenic variant or a rare benign variant.